The following is an entry in ClinVar:

ClinVar aggregate classification (germline): Benign. Review status: criteria provided, multiple submitters, no conflicts (2 of 4 stars). 6 submissions from 6 submitters: Benign (6). Last evaluated 2026-08-01.

Conditions:
Immunodeficiency 35 (IMD35). Also called: Susceptibility to infection due to TYK2 deficiency; HIES WITH ATYPICAL MYCOBACTERIOSIS, AUTOSOMAL RECESSIVE; HYPER-IgE SYNDROME WITH ATYPICAL MYCOBACTERIOSIS, AUTOSOMAL RECESSIVE; TYK2 DEFICIENCY. Identifiers: Orphanet 331226, MedGen C1969086, MONDO:0012682, OMIM 611521.

Allele frequency attached by ClinVar (database versions not stated): 1000 Genomes Project 0.00379; 1000 Genomes Project 30x 0.00406; TOPMed 0.00642; gnomAD 0.00716 and 0.00726; gnomAD exomes 0.00735 and 0.00959; ExAC 0.00800; ESP Exome Variant Server 0.00838.
gnomAD v4.1: 14,980 of 1,612,958 alleles (0.93%); highest among the groups gnomAD compares: Middle Eastern, 1.2%; 95 homozygotes.

Submissions (6):

CeGaT Center for Human Genetics Tuebingen
Classification: Benign. Last evaluated: 2026-08-01. Review status: criteria provided, single submitter. Criteria: CeGaT Center For Human Genetics Tuebingen Variant Classification Criteria Version 2. Collection method: clinical testing. Allele origin: germline. Affected: yes. Observed: 9 variant alleles.
Comment: TYK2: BS1, BS2

Labcorp Genetics (formerly Invitae), Labcorp
Classification: Benign for Immunodeficiency 35. Last evaluated: 2026-02-01. Review status: criteria provided, single submitter. Criteria: Invitae Variant Classification Sherloc (09022015). Collection method: clinical testing. Allele origin: germline.

Mayo Clinic Laboratories, Mayo Clinic
Classification: Benign. Last evaluated: 2023-10-11. Review status: criteria provided, single submitter. Criteria: ACMG Guidelines, 2015. Collection method: clinical testing. Allele origin: germline. Observed: 2 variant alleles.
Comment: BS1, BS2

Illumina Laboratory Services, Illumina
Classification: Benign for Immunodeficiency 35. Last evaluated: 2018-01-13. Review status: criteria provided, single submitter. Criteria: ICSL Variant Classification Criteria 13 December 2019. Collection method: clinical testing. Allele origin: germline.
Comment: This variant was observed in the ICSL laboratory as part of a predisposition screen in an ostensibly healthy population. It had not been previously curated by ICSL or reported in the Human Gene Mutation Database (HGMD: prior to June 1st, 2018), and was therefore a candidate for classification through an automated scoring system. Utilizing variant allele frequency, disease prevalence and penetrance estimates, and inheritance mode, an automated score was calculated to assess if this variant is too frequent to cause the disease. Based on the score and internal cut-off values, a variant classified as benign is not then subjected to further curation. The score for this variant resulted in a classification of benign for this disease.

GeneDx
Classification: Benign. Last evaluated: 2017-06-23. Review status: criteria provided, single submitter. Criteria: GeneDx Variant Classification (06012015). Collection method: clinical testing. Allele origin: germline. Affected: yes.
Comment: This variant is considered likely benign or benign based on one or more of the following criteria: it is a conservative change, it occurs at a poorly conserved position in the protein, it is predicted to be benign by multiple in silico algorithms, and/or has population frequency not consistent with disease.

Breakthrough Genomics
Classification: Benign. Review status: criteria provided, single submitter. Criteria: ACMG Guidelines, 2015. Collection method: not provided. Allele origin: germline. Inheritance: Autosomal recessive inheritance. Affected: yes.

Literature cited by the submitters: PubMed 22744673 (cited by Mayo Clinic Laboratories, Mayo Clinic); PubMed 26513235 (cited by Mayo Clinic Laboratories, Mayo Clinic); PubMed 32707200 (cited by Mayo Clinic Laboratories, Mayo Clinic).

NM_003331.5(TYK2):c.157G>A (p.Ala53Thr)

Gene: TYK2 (tyrosine kinase 2; minus strand). Cytogenetic location: 19p13.2.
Variant type: single nucleotide variant.
Coding change: c.157G>A on transcript NM_003331.5 (MANE Select); coding-DNA position 157, G replaced by A.
Protein change: p.Ala53Thr; replaces alanine 53 with threonine.
Molecular consequence: missense variant.
Genome position (GRCh38, 1-based): chr19:10,378,250, C>T on the plus strand (G>A on the coding strand, the complement: TYK2 is on the minus strand). VCF-style: chr19-10378250-C-T. GRCh37 (hg19) VCF-style: chr19-10488926-C-T.
Other names: p.Ala53Thr; c.157G>A (LRG_121t1); short protein forms A53T.
Identifiers: ClinVar variation 378838 (VCV000378838.41), dbSNP rs55762744, ClinGen allele CA9193876.